The following is an entry in ClinVar:

ClinVar aggregate classification (germline): Uncertain significance. Review status: criteria provided, multiple submitters, no conflicts (2 of 4 stars). 3 submissions from 3 submitters: Uncertain significance (3). Last evaluated 2024-10-21.

Conditions:
RORC-related disorder. Also called: RORC-related condition.
Autosomal recessive mendelian susceptibility to mycobacterial diseases due to complete RORgamma receptor deficiency. Also called: Immunodeficiency 42. Identifiers: Orphanet 477857, MedGen C5567647, MONDO:0014710, OMIM 616622.

Allele frequency attached by ClinVar (database versions not stated): TOPMed 0.00003; gnomAD exomes 0.00012 and 0.00018; 1000 Genomes Project 30x 0.00016; ExAC 0.00016; gnomAD 0.00017; 1000 Genomes Project 0.00020.
gnomAD v4.1: 194 of 1,614,036 alleles (0.012%); highest among the groups gnomAD compares: Non-Finnish European, 0.0067%; no homozygotes.

Submissions (3):

Blueprint Genetics
Classification: Uncertain significance. Last evaluated: 2024-10-21. Review status: criteria provided, single submitter. Criteria: ACMG Guidelines, 2015. Collection method: clinical testing. Allele origin: germline.

PreventionGenetics, part of Exact Sciences
Classification: Uncertain significance for RORC-related condition. Last evaluated: 2022-10-25. Review status: criteria provided, single submitter. Criteria: ACMG Guidelines, 2015. Collection method: clinical testing. Allele origin: germline.
Comment: The RORC c.1118A>G variant is predicted to result in the amino acid substitution p.Asn373Ser. To our knowledge, this variant has not been reported in the literature. This variant is reported in 0.18% of alleles in individuals of European (Finnish) descent in gnomAD. At this time, the clinical significance of this variant is uncertain due to the absence of conclusive functional and genetic evidence.

Labcorp Genetics (formerly Invitae), Labcorp
Classification: Uncertain significance for Autosomal recessive mendelian susceptibility to mycobacterial diseases due to complete RORgamma receptor deficiency. Last evaluated: 2022-09-27. Review status: criteria provided, single submitter. Criteria: Invitae Variant Classification Sherloc (09022015). Collection method: clinical testing. Allele origin: germline.
Comment: This sequence change replaces asparagine, which is neutral and polar, with serine, which is neutral and polar, at codon 373 of the RORC protein (p.Asn373Ser). This variant is present in population databases (rs201629608, gnomAD 0.2%). This variant has not been reported in the literature in individuals affected with RORC-related conditions. ClinVar contains an entry for this variant (Variation ID: 864046). Algorithms developed to predict the effect of missense changes on protein structure and function are either unavailable or do not agree on the potential impact of this missense change (SIFT: "Tolerated"; PolyPhen-2: "Possibly Damaging"; Align-GVGD: "Class C0"). Algorithms developed to predict the effect of sequence changes on RNA splicing suggest that this variant may create or strengthen a splice site. In summary, the available evidence is currently insufficient to determine the role of this variant in disease. Therefore, it has been classified as a Variant of Uncertain Significance.

NM_005060.4(RORC):c.1118A>G (p.Asn373Ser)

Gene: RORC (RAR related orphan receptor C; minus strand). Cytogenetic location: 1q21.3.
Variant type: single nucleotide variant.
Coding change: c.1118A>G on transcript NM_005060.4 (MANE Select); coding-DNA position 1118, A replaced by G.
Protein change: p.Asn373Ser; replaces asparagine 373 with serine.
Molecular consequence: missense variant.
Genome position (GRCh38, 1-based): chr1:151,813,295, T>C on the plus strand (A>G on the coding strand, the complement: RORC is on the minus strand). VCF-style: chr1-151813295-T-C. GRCh37 (hg19) VCF-style: chr1-151785771-T-C.
Other names: c.1055A>G, p.Asn352Ser (NM_001001523.2); short protein forms N352S, N373S.
Identifiers: ClinVar variation 864046 (VCV000864046.6), dbSNP rs201629608, ClinGen allele CA1095751.